The following is an entry in ClinVar:

ClinVar aggregate classification (germline): Uncertain significance (1 of 4 stars; one submission).

Allele frequency attached by ClinVar (database versions not stated): ExAC 0.00001; gnomAD 0.00001; gnomAD exomes 0.00002; TOPMed 0.00002.
gnomAD v4.1: 12 of 1,612,232 alleles (0.00074%); highest among the groups gnomAD compares: Admixed American, 0.005%; no homozygotes.

Submission:

Labcorp Genetics (formerly Invitae), Labcorp
Classification: Uncertain significance. Last evaluated: 2023-07-17. Review status: criteria provided, single submitter. Criteria: Invitae Variant Classification Sherloc (09022015). Collection method: clinical testing. Allele origin: germline.
Comment: In summary, the available evidence is currently insufficient to determine the role of this variant in disease. Therefore, it has been classified as a Variant of Uncertain Significance. Advanced modeling of protein sequence and biophysical properties (such as structural, functional, and spatial information, amino acid conservation, physicochemical variation, residue mobility, and thermodynamic stability) performed at Invitae indicates that this missense variant is not expected to disrupt ASCC1 protein function. ClinVar contains an entry for this variant (Variation ID: 1479695). This variant has not been reported in the literature in individuals affected with ASCC1-related conditions. This variant is present in population databases (rs778835382, gnomAD 0.009%). This sequence change replaces alanine, which is neutral and non-polar, with valine, which is neutral and non-polar, at codon 159 of the ASCC1 protein (p.Ala159Val).

NM_001198800.3(ASCC1):c.476C>T (p.Ala159Val)

Gene: ASCC1 (activating signal cointegrator 1 complex subunit 1; minus strand). Cytogenetic location: 10q22.1.
Variant type: single nucleotide variant.
Coding change: c.476C>T on transcript NM_001198800.3 (MANE Select); coding-DNA position 476, C replaced by T.
Protein change: p.Ala159Val; replaces alanine 159 with valine.
Molecular consequence: missense variant. On other transcripts: non-coding transcript variant (1).
Genome position (GRCh38, 1-based): chr10:72,196,824, G>A on the plus strand (C>T on the coding strand, the complement: ASCC1 is on the minus strand). VCF-style: chr10-72196824-G-A. GRCh37 (hg19) VCF-style: chr10-73956582-G-A.
Other names: c.476C>T, p.Ala159Val (NM_001198798.2, NM_001369087.1, NM_001369088.1 and 18 more transcripts); c.560C>T, p.Ala187Val (NM_001198799.3); c.542C>T, p.Ala181Val (NM_001369085.1, NM_001369086.1, NM_001369099.1); c.359C>T, p.Ala120Val (NM_001369101.1, NM_001369102.1, NM_001369105.1 and 2 more transcripts); short protein forms A159V, A181V, A187V, A120V.
Identifiers: ClinVar variation 1479695 (VCV001479695.6), dbSNP rs778835382, ClinGen allele CA5549013.
Genomic context (GRCh38, chr10:72,196,824, plus strand): 5'-TTTATATTTAACTTTTTTTTTAACCTTCTTGCTTTGTTTGCACTTACCATGGAGCACTTC[G>A]CCAGTACTTCCTCCTGGAATCTCAGGAATCCTTCCTGAACCTCAACTTCATTGAGGAAAA-3'
Protein context (NP_001185729.1, residues 149-169): GFLRFQEEVL[Ala159Val]KCSMDHGVDS